The following is an entry in ClinVar:

ClinVar aggregate classification (germline): Conflicting classifications of pathogenicity. Review status: criteria provided, conflicting classifications (1 of 4 stars). 2 submissions from 2 submitters: Uncertain significance (1); Benign (1). Last evaluated 2025-11-04.

Conditions:
Long QT syndrome (LQTS). Identifiers: MedGen C0023976, MeSH D008133, MONDO:0002442. Disease mechanism: loss of function. Inheritance: Various modes of inheritance.
Cardiovascular phenotype. Identifiers: MedGen CN230736.

Allele frequency attached by ClinVar (database versions not stated): gnomAD exomes 0.00002; TOPMed 0.00002; ExAC 0.00003.
gnomAD v4.1: 11 of 1,613,926 alleles (0.00068%); highest among the groups gnomAD compares: Admixed American, 0.018%; no homozygotes.

Submissions (2):

Ambry Genetics
Classification: Benign for Cardiovascular phenotype. Last evaluated: 2025-11-04. Review status: criteria provided, single submitter. Criteria: Ambry Variant Classification Scheme 2023. Collection method: clinical testing. Allele origin: germline.

Labcorp Genetics (formerly Invitae), Labcorp
Classification: Uncertain significance for Long QT syndrome. Last evaluated: 2025-09-15. Review status: criteria provided, single submitter. Criteria: Invitae Variant Classification Sherloc (09022015). Collection method: clinical testing. Allele origin: germline.
Comment: This sequence change replaces phenylalanine, which is neutral and non-polar, with leucine, which is neutral and non-polar, at codon 3443 of the AKAP9 protein (p.Phe3443Leu). This variant is present in population databases (rs781744583, gnomAD 0.02%). This variant has not been reported in the literature in individuals affected with AKAP9-related conditions. ClinVar contains an entry for this variant (Variation ID: 1771441). An algorithm developed to predict the effect of missense changes on protein structure and function outputs the following: PolyPhen-2: "Benign". The leucine amino acid residue is found in multiple mammalian species, which suggests that this missense change does not adversely affect protein function. In summary, the available evidence is currently insufficient to determine the role of this variant in disease. Therefore, it has been classified as a Variant of Uncertain Significance.

NM_005751.5(AKAP9):c.10327T>C (p.Phe3443Leu)

Gene: AKAP9 (A-kinase anchoring protein 9; plus strand). Cytogenetic location: 7q21.2.
Variant type: single nucleotide variant.
Coding change: c.10327T>C on transcript NM_005751.5 (MANE Select); coding-DNA position 10327, T replaced by C.
Protein change: p.Phe3443Leu; replaces phenylalanine 3443 with leucine.
Molecular consequence: missense variant.
Genome position (GRCh38, 1-based): chr7:92,097,286, T>C. VCF-style: chr7-92097286-T-C. GRCh37 (hg19) VCF-style: chr7-91726600-T-C.
Other names: c.4972T>C, p.Phe1658Leu (NM_001379277.1); c.10303T>C, p.Phe3435Leu (NM_147185.3); short protein forms F1658L, F3435L, F3443L.
Identifiers: ClinVar variation 1771441 (VCV001771441.4), dbSNP rs781744583, ClinGen allele CA4337925.